The following is an entry in ClinVar:

ClinVar aggregate classification (germline): Uncertain significance (1 of 4 stars; one submission).

Conditions:
NRP2-related disorder. Also called: NRP2-related condition.

gnomAD v4.1: 15 of 1,613,430 alleles (0.00093%); highest among the groups gnomAD compares: Non-Finnish European, 0.0013%; no homozygotes.

Submission:

PreventionGenetics, part of Exact Sciences
Classification: Uncertain significance for NRP2-related condition. Last evaluated: 2025-03-08. Review status: criteria provided, single submitter. Criteria: ACMG Guidelines, 2015. Collection method: clinical testing. Allele origin: germline.
Comment: The NRP2 c.2578C>G variant is predicted to result in the amino acid substitution p.Arg860Gly. To our knowledge, this variant has not been reported in the literature or in a large population database (gnomAD), indicating this variant is rare. At this time, the clinical significance of this variant is uncertain due to the absence of conclusive functional and genetic evidence.

NM_003872.3(NRP2):c.2425+9595C>G

Gene: NRP2 (neuropilin 2; plus strand). Cytogenetic location: 2q33.3.
Variant type: single nucleotide variant.
Coding change: c.2425+9595C>G on transcript NM_003872.3 (MANE Select); 9595 bases into the intron after coding-DNA position 2425, C replaced by G.
Molecular consequence: intron variant. On other transcripts: missense variant (2).
Genome position (GRCh38, 1-based): chr2:205,776,398, C>G. VCF-style: chr2-205776398-C-G. GRCh37 (hg19) VCF-style: chr2-206641122-C-G.
Other names: c.2593C>G, p.Arg865Gly (NM_018534.4); c.2578C>G, p.Arg860Gly (NM_201267.2); c.2440+9580C>G (NM_201266.2); c.2425+9595C>G (NM_201279.2); short protein forms R860G, R865G.
Identifiers: ClinVar variation 4981190 (VCV004981190.1).